The following is an entry in ClinVar:

GRCh38/hg38 3p12.3(chr3:78221882-79465461)x3

Genes: ROBO1 (roundabout guidance receptor 1; minus strand), LOC101927374 (uncharacterized LOC101927374; plus strand), LOC110121119 (VISTA enhancer hs1475; plus strand), LOC123002307 (Sharpr-MPRA regulatory region 7147; plus strand), LOC123002308 (Sharpr-MPRA regulatory region 6803; plus strand) and 2 more. Cytogenetic location: 3p12.3.
Variant type: copy number gain.
Change: copy number 3 (three copies instead of two) of chr3:78,221,882-79,465,461 (1.24 Mb, GRCh38 coordinates, 1-based), cytogenetic band 3p12.3.
Identifiers: ClinVar variation 57757 (VCV000057757.1).

ClinVar aggregate classification (germline): Uncertain significance (1 of 4 stars; one submission).

Submission:

ISCA site 4
Classification: Uncertain significance. Last evaluated: 2011-08-12. Review status: criteria provided, single submitter. Criteria: Kaminsky et al. (Genet Med. 2011). Collection method: clinical testing. Allele origin: maternal. Affected: yes. Observed: 1 variant allele.
Comment: Copy number variation identified through the course of routine clinical cytogenomic testing in postnatal populations. Clinical assertions have been curated as described in Kaminsky et al. 2011.